The following is an entry in ClinVar:

ClinVar aggregate classification (germline): Likely benign. Review status: criteria provided, multiple submitters, no conflicts (2 of 4 stars). 3 submissions from 3 submitters: Likely benign (2). 1 of the submissions does not count toward it. Last evaluated 2023-12-18.

Conditions:
TRMU-related disorder. Also called: TRMU-related condition.

Allele frequency attached by ClinVar (database versions not stated): gnomAD 0.00003 and 0.00004; TOPMed 0.00003; ESP Exome Variant Server 0.00008.
gnomAD v4.1: 109 of 1,613,862 alleles (0.0068%); highest among the groups gnomAD compares: Non-Finnish European, 0.0081%; no homozygotes.

Submissions (3):

Labcorp Genetics (formerly Invitae), Labcorp
Classification: Likely benign. Last evaluated: 2023-12-18. Review status: criteria provided, single submitter. Criteria: Invitae Variant Classification Sherloc (09022015). Collection method: clinical testing. Allele origin: germline.

GeneDx
Classification: Likely benign. Last evaluated: 2018-10-08. Review status: criteria provided, single submitter. Criteria: GeneDx Variant Classification Process June 2021. Collection method: clinical testing. Allele origin: germline. Affected: yes.

PreventionGenetics, part of Exact Sciences
Classification: Likely benign for TRMU-related condition. Last evaluated: 2020-01-20. Review status: no assertion criteria provided. Collection method: clinical testing. Allele origin: germline. Not counted in ClinVar's aggregate classification.
Comment: This variant is classified as likely benign based on ACMG/AMP sequence variant interpretation guidelines (Richards et al. 2015 PMID: 25741868, with internal and published modifications).

NM_018006.5(TRMU):c.1053C>T (p.Thr351=)

Gene: TRMU (tRNA mitochondrial 2-thiouridylase; plus strand). Cytogenetic location: 22q13.31.
Variant type: single nucleotide variant.
Coding change: c.1053C>T on transcript NM_018006.5 (MANE Select); coding-DNA position 1053, C replaced by T.
Protein change: p.Thr351=; no amino-acid change (threonine 351 retained).
Molecular consequence: synonymous variant. On other transcripts: non-coding transcript variant (2), intron variant (2).
Genome position (GRCh38, 1-based): chr22:46,356,024, C>T. VCF-style: chr22-46356024-C-T. GRCh37 (hg19) VCF-style: chr22-46751921-C-T.
Other names: c.711C>T, p.Thr237= (NM_001282782.2); c.633C>T, p.Thr211= (NM_001282783.2); c.1018+436C>T (NM_001282785.2); c.598+436C>T (NM_001282784.2).
Identifiers: ClinVar variation 507941 (VCV000507941.17), dbSNP rs374614222, ClinGen allele CA10292392.
Genomic context (GRCh38, chr22:46,356,024, plus strand): 5'-TCCAAGGGCCCCTCTCTTCTACCCAGTGCCCTGTGTGCTGACCCTCAATCAAGATGGCAC[C>T]GTGTGGGTGACAGCTGTGCAGGCTGTGCGTGCCCTTGCCACAGGACAGGTGCGTGGGGTG-3'
Protein context (NP_060476.2, residues 341-361): PCVLTLNQDG[Thr351=]VWVTAVQAVR